The following is an entry in ClinVar:

ClinVar aggregate classification (germline): Benign/Likely benign. Review status: criteria provided, multiple submitters, no conflicts (2 of 4 stars). 20 submissions from 20 submitters: Benign (13); Likely benign (6). 1 of the submissions does not count toward it. Last evaluated 2026-09-01.

Conditions:
Classic or attenuated familial adenomatous polyposis. Identifiers: MedGen CN372698, MONDO:0021057.
Hereditary cancer-predisposing syndrome. Also called: Neoplastic Syndromes, Hereditary; Tumor predisposition; Hereditary neoplastic syndrome; Hereditary Cancer Syndrome. Identifiers: Orphanet 140162, MedGen C0027672, MeSH D009386, MONDO:0015356.
Familial adenomatous polyposis 1 (FAP1). Also called: POLYPOSIS, ADENOMATOUS INTESTINAL; FAMILIAL ADENOMATOUS POLYPOSIS 1, ATTENUATED. Identifiers: MedGen C2713442, MONDO:0021056, OMIM 175100. Disease mechanism: loss of function.
Desmoid disease, hereditary (DESMD). Also called: FIBROMATOSIS, FAMILIAL INFILTRATIVE. Identifiers: Orphanet 873, MedGen C1851124, OMIM 135290. Disease mechanism: loss of function.

Allele frequency attached by ClinVar (database versions not stated): 1000 Genomes Project 0.00200; ExAC 0.00039; gnomAD 0.00092 and 0.00096; TOPMed 0.00108; ESP Exome Variant Server 0.00131; 1000 Genomes Project 30x 0.00187.
gnomAD v4.1: 293 of 1,614,044 alleles (0.018%); highest among the groups gnomAD compares: African/African-American, 0.32%; 1 homozygote.

Submissions (20):

CeGaT Center for Human Genetics Tuebingen
Classification: Likely benign. Last evaluated: 2026-09-01. Review status: criteria provided, single submitter. Criteria: CeGaT Center For Human Genetics Tuebingen Variant Classification Criteria Version 2. Collection method: clinical testing. Allele origin: germline. Affected: yes. Observed: 2 variant alleles.
Comment: APC: BP4, BP7, BS1

Labcorp Genetics (formerly Invitae), Labcorp
Classification: Benign for Familial adenomatous polyposis 1. Last evaluated: 2026-01-28. Review status: criteria provided, single submitter. Criteria: Invitae Variant Classification Sherloc (09022015). Collection method: clinical testing. Allele origin: germline.

Institute for Biomarker Research, Medical Diagnostic Laboratories, L.L.C.
Classification: Benign for Hereditary cancer-predisposing syndrome. Last evaluated: 2025-04-10. Review status: criteria provided, single submitter. Criteria: ACMG Guidelines, 2015. Collection method: clinical testing. Allele origin: germline.
Comment: The synonymous variant NM_000038.6(APC):c.2262T>G (p.Val754=) has been reported to ClinVar as Benign/Likely benign with a status of (2 stars) criteria provided, multiple submitters, no conflicts (Variation ID 135687 as of 2025-04-03). The p.Val754= variant is observed in 10/5,008 (0.1997%) alleles from individuals of 1kG All background in 1kG, which is greater than expected for the disorder. The nucleotide c.2262 in APC is not conserved according to a GERP++ and PhyloP analysis of 100 vertebrates. For these reasons, this variant has been classified as Benign.

ARUP Laboratories, Molecular Genetics and Genomics, ARUP Laboratories
Classification: Benign. Last evaluated: 2025-01-12. Review status: criteria provided, single submitter. Criteria: ARUP Molecular Germline Variant Investigation Process 2024. Collection method: clinical testing. Allele origin: germline.

Mayo Clinic Laboratories, Mayo Clinic
Classification: Benign. Last evaluated: 2024-12-26. Review status: criteria provided, single submitter. Criteria: ACMG Guidelines, 2015. Collection method: clinical testing. Allele origin: germline. Observed: 1 variant allele.
Comment: BA1, BP4, BP7

All of Us Research Program, National Institutes of Health
Classification: Benign for Classic or attenuated familial adenomatous polyposis. Last evaluated: 2024-09-23. Review status: criteria provided, single submitter. Criteria: ACMG Guidelines, 2015. Collection method: clinical testing. Allele origin: germline. Inheritance: Autosomal dominant inheritance. Observed: 84 variant alleles, 84 heterozygotes.
Comment: This study involves interpretation of variants in research participants for the purpose of population health screening. Participant phenotype was not available at the time of variant classification. Additional details can be found in publication PMID: 35346344, PMCID: PMC8962531

Blueprint Genetics
Classification: Likely benign. Last evaluated: 2024-03-09. Review status: criteria provided, single submitter. Criteria: ACMG Guidelines, 2015. Collection method: clinical testing. Allele origin: germline.

KCCC/NGS Laboratory, Kuwait Cancer Control Center
Classification: Benign for Familial adenomatous polyposis 1. Last evaluated: 2023-07-07. Review status: criteria provided, single submitter. Criteria: ACMG Guidelines, 2015. Collection method: clinical testing. Allele origin: germline. Affected: yes.

Department of Pathology and Laboratory Medicine, Sinai Health System
Classification: Likely benign for Desmoid disease, hereditary. Last evaluated: 2023-06-08. Review status: criteria provided, single submitter. Criteria: ACMG Guidelines, 2015. Collection method: clinical testing. Allele origin: germline. Affected: yes.

Myriad Genetics, Inc.
Classification: Benign for Familial adenomatous polyposis 1. Last evaluated: 2023-02-21. Review status: criteria provided, single submitter. Criteria: Myriad Autosomal Dominant, Autosomal Recessive and X-Linked Classification Criteria (2023). Collection method: clinical testing. Allele origin: unknown.
Comment: This variant is considered benign. This variant is a silent/synonymous amino acid change and it is not expected to impact splicing.

Sema4
Classification: Benign for Hereditary cancer-predisposing syndrome. Last evaluated: 2020-10-01. Review status: criteria provided, single submitter. Criteria: Sema4 Curation Guidelines. Collection method: curation. Allele origin: germline.

Genetic Services Laboratory, University of Chicago
Classification: Likely benign. Last evaluated: 2019-02-14. Review status: criteria provided, single submitter. Criteria: ACMG Guidelines, 2015. Collection method: clinical testing. Allele origin: germline. Affected: no.

Women's Health and Genetics/Laboratory Corporation of America, LabCorp
Classification: Benign. Last evaluated: 2017-12-04. Review status: criteria provided, single submitter. Criteria: LabCorp Variant Classification Summary - May 2015. Collection method: clinical testing. Allele origin: germline.
Comment: Variant summary: The APC c.2262T>G (p.Val754Val) variant involves the alteration of a non-conserved nucleotide causing a synonymous change and 4/5 splice prediction tools predict no significant impact on normal splicing. ESE finder predicts that this variant may create ESE binding sites at the locus. However, these predictions have yet to be confirmed by functional studies. This variant was found in 102/276142 control chromosomes (gnomAD), predominantly observed in the African subpopulation at a frequency of 0.003833 (92/24002). This frequency is about 54 times the estimated maximal expected allele frequency of a pathogenic APC variant (0.0000714), strongly suggesting this is likely a benign polymorphism found primarily in the populations of African origin. In addition, multiple clinical diagnostic laboratories/reputable databases classified this variant as likely benign or benign. The variant of interest has not, to our knowledge, been reported in affected individuals via publications. Taken together, this variant is classified as benign.

Quest Diagnostics Nichols Institute San Juan Capistrano
Classification: Benign. Last evaluated: 2017-08-02. Review status: criteria provided, single submitter. Criteria: Quest Diagnostics criteria. Collection method: clinical testing. Allele origin: germline.

PreventionGenetics, part of Exact Sciences
Classification: Benign. Last evaluated: 2017-01-10. Review status: criteria provided, single submitter. Criteria: ACMG Guidelines, 2015. Collection method: clinical testing. Allele origin: germline.

Color Diagnostics, LLC DBA Color Health
Classification: Benign for Hereditary cancer-predisposing syndrome. Last evaluated: 2016-03-18. Review status: criteria provided, single submitter. Criteria: ACMG Guidelines, 2015. Collection method: clinical testing. Allele origin: germline.

GeneDx
Classification: Benign. Last evaluated: 2015-03-27. Review status: criteria provided, single submitter. Criteria: GeneDx Variant Classification (06012015). Collection method: clinical testing. Allele origin: germline. Affected: yes.
Comment: This variant is considered likely benign or benign based on one or more of the following criteria: it is a conservative change, it occurs at a poorly conserved position in the protein, it is predicted to be benign by multiple in silico algorithms, and/or has population frequency not consistent with disease.

Ambry Genetics
Classification: Likely benign for Hereditary cancer-predisposing syndrome. Last evaluated: 2014-10-09. Review status: criteria provided, single submitter. Criteria: Ambry Variant Classification Scheme 2023. Collection method: clinical testing. Allele origin: germline.

Eurofins Ntd Llc (ga)
Classification: Likely benign. Last evaluated: 2014-04-30. Review status: criteria provided, single submitter. Criteria: EGL Classification Definitions 2015. Collection method: clinical testing. Allele origin: germline. Observed: 1 variant allele, 1 heterozygote.

Counsyl
Classification: Likely benign for Familial adenomatous polyposis 1. Last evaluated: 2015-11-17. Review status: no assertion criteria provided. Collection method: clinical testing. Allele origin: unknown. Not counted in ClinVar's aggregate classification.

NM_000038.6(APC):c.2262T>G (p.Val754=)

Gene: APC (APC regulator of Wnt signaling pathway; plus strand). Cytogenetic location: 5q22.2.
Variant type: single nucleotide variant.
Coding change: c.2262T>G on transcript NM_000038.6 (MANE Select); coding-DNA position 2262, T replaced by G.
Protein change: p.Val754=; no amino-acid change (valine 754 retained).
Molecular consequence: synonymous variant.
Genome position (GRCh38, 1-based): chr5:112,837,856, T>G. VCF-style: chr5-112837856-T-G. GRCh37 (hg19) VCF-style: chr5-112173553-T-G.
Other names: p.Val754=; c.2262T>G, p.Val754= (NM_001127510.3, NM_001354895.2); c.2208T>G, p.Val736= (NM_001127511.3); c.2316T>G, p.Val772= (NM_001354896.2); c.2292T>G, p.Val764= (NM_001354897.2); c.2187T>G, p.Val729= (NM_001354898.2); c.2178T>G, p.Val726= (NM_001354899.2); c.2139T>G, p.Val713= (NM_001354900.2); and 6 more.
Identifiers: ClinVar variation 135687 (VCV000135687.49), dbSNP rs148987776, ClinGen allele CA007328.